The following is an entry in ClinVar:

NM_001365276.2(TNXB):c.5780T>C (p.Ile1927Thr)

Gene: TNXB (tenascin XB; minus strand). Cytogenetic location: 6p21.33.
Variant type: single nucleotide variant.
Coding change: c.5780T>C on transcript NM_001365276.2 (MANE Select); coding-DNA position 5780, T replaced by C.
Protein change: p.Ile1927Thr; replaces isoleucine 1927 with threonine.
Molecular consequence: missense variant.
Genome position (GRCh38, 1-based): chr6:32,068,944, A>G on the plus strand (T>C on the coding strand, the complement: TNXB is on the minus strand). VCF-style: chr6-32068944-A-G. GRCh37 (hg19) VCF-style: chr6-32036721-A-G.
Other names: p.Ile1927Thr; c.5780T>C, p.Ile1927Thr (NM_019105.8); short protein forms I1927T.
Identifiers: ClinVar variation 1254439 (VCV001254439.42), dbSNP rs751320202, ClinGen allele CA3734609.

ClinVar aggregate classification (germline): Conflicting classifications of pathogenicity. Review status: criteria provided, conflicting classifications (1 of 4 stars). 4 submissions from 4 submitters: Uncertain significance (2); Likely benign (2). Last evaluated 2025-05-01.

Conditions:
Cardiovascular phenotype. Identifiers: MedGen CN230736.

Allele frequency attached by ClinVar (database versions not stated): ExAC 0.00006; gnomAD 0.00006; gnomAD exomes 0.00006 and 0.00010; TOPMed 0.00007.
gnomAD v4.1: 153 of 1,612,754 alleles (0.0095%); highest among the groups gnomAD compares: Non-Finnish European, 0.012%; no homozygotes.

Submissions (4):

CeGaT Center for Human Genetics Tuebingen
Classification: Likely benign. Last evaluated: 2025-05-01. Review status: criteria provided, single submitter. Criteria: CeGaT Center For Human Genetics Tuebingen Variant Classification Criteria Version 2. Collection method: clinical testing. Allele origin: germline. Affected: yes. Observed: 2 variant alleles.
Comment: TNXB: BP4

Mayo Clinic Laboratories, Mayo Clinic
Classification: Uncertain significance. Last evaluated: 2023-08-16. Review status: criteria provided, single submitter. Criteria: ACMG Guidelines, 2015. Collection method: clinical testing. Allele origin: germline. Observed: 1 variant allele.
Comment: BP4_strong

GeneDx
Classification: Uncertain significance. Last evaluated: 2023-07-25. Review status: criteria provided, single submitter. Criteria: GeneDx Variant Classification Process June 2021. Collection method: clinical testing. Allele origin: germline. Affected: yes.
Comment: Has not been previously published as pathogenic or benign to our knowledge; In silico analysis supports that this missense variant does not alter protein structure/function

Ambry Genetics
Classification: Likely benign for Cardiovascular phenotype. Last evaluated: 2021-06-22. Review status: criteria provided, single submitter. Criteria: Ambry Variant Classification Scheme 2023. Collection method: clinical testing. Allele origin: germline.